The following is an entry in ClinVar:

ClinVar aggregate classification (germline): Pathogenic (1 of 4 stars; one submission).

Submission:

Labcorp Genetics (formerly Invitae), Labcorp
Classification: Pathogenic. Last evaluated: 2022-11-08. Review status: criteria provided, single submitter. Criteria: Invitae Variant Classification Sherloc (09022015). Collection method: clinical testing. Allele origin: germline.
Comment: This variant has not been reported in the literature in individuals affected with NBAS-related conditions. For these reasons, this variant has been classified as Pathogenic. ClinVar contains an entry for this variant (Variation ID: 1391781). This variant is not present in population databases (gnomAD no frequency). This sequence change creates a premature translational stop signal (p.Lys1853Serfs*29) in the NBAS gene. It is expected to result in an absent or disrupted protein product. Loss-of-function variants in NBAS are known to be pathogenic (PMID: 26073778, 26541327, 27789416, 28031453).

Literature cited by the submitters: PubMed 26073778; PubMed 26541327; PubMed 27789416; PubMed 28031453.

NM_015909.4(NBAS):c.5558del (p.Lys1853fs)

Gene: NBAS (NBAS subunit of NRZ tethering complex; minus strand). Cytogenetic location: 2p24.3.
Variant type: Deletion.
Coding change: c.5558del on transcript NM_015909.4 (MANE Select); coding-DNA position 5558, one base deleted (A; older notation c.5558delA).
Protein change: p.Lys1853fs; shifts the reading frame from lysine 1853.
Molecular consequence: frameshift variant. On other transcripts: non-coding transcript variant (1).
Genome position (GRCh38, 1-based): chr2:15,275,650, T deleted on the plus strand (A on the coding strand, the reverse complement: NBAS is on the minus strand); the first of 2 consecutive T bases (chr2:15,275,650-15,275,651); deleting either gives the same sequence. VCF-style (leftmost placement, unchanged base first): chr2-15275649-CT-C. GRCh37 (hg19) VCF-style: chr2-15415773-CT-C.
Other names: short protein forms K1853fs.
Identifiers: ClinVar variation 1391781 (VCV001391781.6), dbSNP rs2148055234, ClinGen allele CA2573133169.